The following is an entry in ClinVar:

NM_003611.3(OFD1):c.2395C>T (p.Arg799Ter)

Gene: OFD1 (OFD1 centriole and centriolar satellite protein; plus strand). Cytogenetic location: Xp22.2.
Variant type: single nucleotide variant.
Coding change: c.2395C>T on transcript NM_003611.3 (MANE Select); coding-DNA position 2395, C replaced by T.
Protein change: p.Arg799Ter; replaces arginine 799 with a stop codon.
Molecular consequence: nonsense.
Genome position (GRCh38, 1-based): chrX:13,762,351, C>T. VCF-style: chrX-13762351-C-T. GRCh37 (hg19) VCF-style: chrX-13780470-C-T.
Other names: c.2275C>T, p.Arg759Ter (NM_001330209.2); c.1975C>T, p.Arg659Ter (NM_001330210.2); short protein forms R759*, R659*, R799*.
Identifiers: ClinVar variation 2018821 (VCV002018821.4), dbSNP rs2518959653, ClinGen allele CA412345169.

ClinVar aggregate classification (germline): Pathogenic (1 of 4 stars; one submission).

Conditions:
Joubert syndrome. Also called: CEREBELLOPARENCHYMAL DISORDER IV; JOUBERT-BOLTSHAUSER SYNDROME; Familial aplasia of the vermis. Identifiers: Orphanet 475, MedGen C5979921, MONDO:0018772.
Orofaciodigital syndrome I (OFD1). Also called: OFDS I; Papillon-Leage and Psaume Syndrome; Oral-Facial-Digital Syndrome Type I. Identifiers: Orphanet 2750, MedGen C1510460, MONDO:0010702, OMIM 311200.

Submission:

Labcorp Genetics (formerly Invitae), Labcorp
Classification: Pathogenic for Orofaciodigital syndrome I; Joubert syndrome. Last evaluated: 2025-05-05. Review status: criteria provided, single submitter. Criteria: Invitae Variant Classification Sherloc (09022015). Collection method: clinical testing. Allele origin: germline.
Comment: This sequence change creates a premature translational stop signal (p.Arg799*) in the OFD1 gene. It is expected to result in an absent or disrupted protein product. Loss-of-function variants in OFD1 are known to be pathogenic (PMID: 16783569, 18546297, 27081566). This variant is not present in population databases (gnomAD no frequency). This variant has not been reported in the literature in individuals affected with OFD1-related conditions. ClinVar contains an entry for this variant (Variation ID: 2018821). For these reasons, this variant has been classified as Pathogenic.

Literature cited by the submitters: PubMed 16783569; PubMed 18546297; PubMed 27081566.